The following is an entry in ClinVar:

ClinVar aggregate classification (germline): Uncertain significance (1 of 4 stars; one submission).

Allele frequency attached by ClinVar (database versions not stated): TOPMed 0.00001; ExAC 0.00002; gnomAD 0.00003.
gnomAD v4.1: 25 of 1,613,658 alleles (0.0015%); highest among the groups gnomAD compares: Middle Eastern, 0.033%; no homozygotes.

Submission:

Labcorp Genetics (formerly Invitae), Labcorp
Classification: Uncertain significance. Last evaluated: 2023-04-15. Review status: criteria provided, single submitter. Criteria: Invitae Variant Classification Sherloc (09022015). Collection method: clinical testing. Allele origin: germline.
Comment: Experimental studies have shown that this missense change does not substantially affect ERBB4 function (PMID: 24119685). In summary, the available evidence is currently insufficient to determine the role of this variant in disease. Therefore, it has been classified as a Variant of Uncertain Significance. Advanced modeling of protein sequence and biophysical properties (such as structural, functional, and spatial information, amino acid conservation, physicochemical variation, residue mobility, and thermodynamic stability) performed at Invitae indicates that this missense variant is not expected to disrupt ERBB4 protein function. This sequence change replaces arginine, which is basic and polar, with glutamine, which is neutral and polar, at codon 114 of the ERBB4 protein (p.Arg114Gln). This variant is present in population databases (rs767277487, gnomAD 0.005%). This missense change has been observed in individual(s) with amyotrophic lateral sclerosis (PMID: 24119685).

Literature cited by the submitters: PubMed 24119685.

NM_005235.3(ERBB4):c.341G>A (p.Arg114Gln)

Gene: ERBB4 (erb-b2 receptor tyrosine kinase 4; minus strand). Cytogenetic location: 2q34.
Variant type: single nucleotide variant.
Coding change: c.341G>A on transcript NM_005235.3 (MANE Select); coding-DNA position 341, G replaced by A.
Protein change: p.Arg114Gln; replaces arginine 114 with glutamine.
Molecular consequence: missense variant.
Genome position (GRCh38, 1-based): chr2:211,947,510, C>T on the plus strand (G>A on the coding strand, the complement: ERBB4 is on the minus strand). VCF-style: chr2-211947510-C-T. GRCh37 (hg19) VCF-style: chr2-212812235-C-T.
Other names: c.341G>A, p.Arg114Gln (NM_001042599.2); short protein forms R114Q.
Identifiers: ClinVar variation 2907582 (VCV002907582.3), dbSNP rs767277487, ClinGen allele CA2088461.